The following is an entry in ClinVar:

NM_000548.5(TSC2):c.4994A>T (p.Gln1665Leu)

Gene: TSC2 (TSC complex subunit 2; plus strand). Cytogenetic location: 16p13.3.
Variant type: single nucleotide variant.
Coding change: c.4994A>T on transcript NM_000548.5 (MANE Select); coding-DNA position 4994, A replaced by T.
Protein change: p.Gln1665Leu; replaces glutamine 1665 with leucine.
Molecular consequence: missense variant. On other transcripts: non-coding transcript variant (5).
Genome position (GRCh38, 1-based): chr16:2,087,867, A>T. VCF-style: chr16-2087867-A-T. GRCh37 (hg19) VCF-style: chr16-2137868-A-T.
Other names: c.4793A>T, p.Gln1598Leu (NM_001077183.3); c.4925A>T, p.Gln1642Leu (NM_001114382.3); c.4685A>T, p.Gln1562Leu (NM_001318827.2); c.4649A>T, p.Gln1550Leu (NM_001318829.2); c.4262A>T, p.Gln1421Leu (NM_001318831.2); c.4826A>T, p.Gln1609Leu (NM_001318832.2); c.4796A>T, p.Gln1599Leu (NM_001363528.2); c.4862A>T, p.Gln1621Leu (NM_001370404.1); and 26 more; short protein forms Q1064L, Q1150L, Q1151L, Q1173L, Q1174L, Q1194L, Q1398L, Q1399L.
Identifiers: ClinVar variation 3071582 (VCV003071582.2), dbSNP rs747018176, ClinGen allele CA394310948.

ClinVar aggregate classification (germline): Uncertain significance. Review status: criteria provided, multiple submitters, no conflicts (2 of 4 stars). 2 submissions from 2 submitters: Uncertain significance (2). Last evaluated 2024-10-03.

Conditions:
Tuberous sclerosis syndrome (TSC). Also called: Tuberous Sclerosis Complex; Tuberous sclerosis. Identifiers: Orphanet 805, MedGen C0041341, MONDO:0001734.
Hereditary cancer-predisposing syndrome. Also called: Hereditary neoplastic syndrome; Neoplastic Syndromes, Hereditary; Tumor predisposition; Hereditary Cancer Syndrome. Identifiers: Orphanet 140162, MedGen C0027672, MeSH D009386, MONDO:0015356.

Submissions (2):

Ambry Genetics
Classification: Uncertain significance for Hereditary cancer-predisposing syndrome. Last evaluated: 2024-10-03. Review status: criteria provided, single submitter. Criteria: Ambry Variant Classification Scheme 2023. Collection method: clinical testing. Allele origin: germline.
Comment: The p.Q1665L variant (also known as c.4994A>T), located in coding exon 38 of the TSC2 gene, results from an A to T substitution at nucleotide position 4994. The glutamine at codon 1665 is replaced by leucine, an amino acid with dissimilar properties. This amino acid position is conserved. In addition, this alteration is predicted to be deleterious by in silico analysis. Based on the available evidence, the clinical significance of this variant remains unclear.

All of Us Research Program, National Institutes of Health
Classification: Uncertain significance for Tuberous sclerosis syndrome. Last evaluated: 2023-06-08. Review status: criteria provided, single submitter. Criteria: ACMG Guidelines, 2015. Collection method: clinical testing. Allele origin: germline. Inheritance: Autosomal dominant inheritance. Observed: 1 variant allele, 1 heterozygote.
Comment: This missense variant replaces glutamine with leucine at codon 1665 of the TSC2 protein. Computational prediction suggests that this variant may have deleterious impact on protein structure and function (internally defined REVEL score threshold >= 0.7, PMID: 27666373). To our knowledge, functional studies have not been reported for this variant. This variant has not been reported in individuals affected with TSC2-related disorders in the literature. This variant has not been identified in the general population by the Genome Aggregation Database (gnomAD). The available evidence is insufficient to determine the role of this variant in disease conclusively. Therefore, this variant is classified as a Variant of Uncertain Significance.

This study involves interpretation of variants in research participants for the purpose of population health screening. Participant phenotype was not available at the time of variant classification. Additional details can be found in publication PMID: 35346344, PMCID: PMC8962531